The following is an entry in ClinVar:

NM_014629.4(ARHGEF10):c.1651-3T>C

Gene: ARHGEF10 (Rho guanine nucleotide exchange factor 10; plus strand). Cytogenetic location: 8p23.3.
Variant type: single nucleotide variant.
Coding change: c.1651-3T>C on transcript NM_014629.4 (MANE Select); 3 bases into the intron before coding-DNA position 1651, T replaced by C.
Molecular consequence: intron variant.
Genome position (GRCh38, 1-based): chr8:1,903,278, T>C. VCF-style: chr8-1903278-T-C. GRCh37 (hg19) VCF-style: chr8-1851444-T-C.
Other names: c.1534-3T>C (NM_001438092.1, NM_001438093.1); c.1654-3T>C (NM_001438091.1); c.1537-3T>C (NM_001308152.2, NM_001438094.1); c.1651-3T>C (NM_001308153.3).
Identifiers: ClinVar variation 1916458 (VCV001916458.5), dbSNP rs770886055, ClinGen allele CA4600510.

ClinVar aggregate classification (germline): Uncertain significance (1 of 4 stars; one submission).

Allele frequency attached by ClinVar (database versions not stated): ExAC 0.00001; gnomAD exomes 0.00002; TOPMed 0.00003; gnomAD 0.00004.
gnomAD v4.1: 29 of 1,613,922 alleles (0.0018%); highest among the groups gnomAD compares: Admixed American, 0.0033%; no homozygotes.

Submission:

Labcorp Genetics (formerly Invitae), Labcorp
Classification: Uncertain significance. Last evaluated: 2025-07-30. Review status: criteria provided, single submitter. Criteria: Invitae Variant Classification Sherloc (09022015). Collection method: clinical testing. Allele origin: germline.
Comment: This sequence change falls in intron 15 of the ARHGEF10 gene. It does not directly change the encoded amino acid sequence of the ARHGEF10 protein. It affects a nucleotide within the consensus splice site. This variant is present in population databases (rs770886055, gnomAD 0.003%). This variant has not been reported in the literature in individuals affected with ARHGEF10-related conditions. ClinVar contains an entry for this variant (Variation ID: 1916458). Variants that disrupt the consensus splice site are a relatively common cause of aberrant splicing (PMID: 17576681, 9536098). Algorithms developed to predict the effect of sequence changes on RNA splicing suggest that this variant is not likely to affect RNA splicing. In summary, the available evidence is currently insufficient to determine the role of this variant in disease. Therefore, it has been classified as a Variant of Uncertain Significance.

Literature cited by the submitters: PubMed 17576681; PubMed 9536098.